The following is an entry in ClinVar:

NM_203447.4(DOCK8):c.2957T>C (p.Phe986Ser)

Gene: DOCK8 (dedicator of cytokinesis 8; plus strand). Cytogenetic location: 9p24.3.
Variant type: single nucleotide variant.
Coding change: c.2957T>C on transcript NM_203447.4 (MANE Select); coding-DNA position 2957, T replaced by C.
Protein change: p.Phe986Ser; replaces phenylalanine 986 with serine.
Molecular consequence: missense variant.
Genome position (GRCh38, 1-based): chr9:390,553, T>C. VCF-style: chr9-390553-T-C. GRCh37 (hg19) VCF-style: chr9-390553-T-C.
Other names: c.2657T>C, p.Phe886Ser (NM_001190458.2); c.2753T>C, p.Phe918Ser (NM_001193536.2); short protein forms F918S, F886S, F986S.
Identifiers: ClinVar variation 3691471 (VCV003691471.2).

ClinVar aggregate classification (germline): Uncertain significance (1 of 4 stars; one submission).

Conditions:
Combined immunodeficiency due to DOCK8 deficiency (HIES2). Also called: HYPER-IgE RECURRENT INFECTION SYNDROME 2, AUTOSOMAL RECESSIVE; HYPER-IgE SYNDROME 2, AUTOSOMAL RECESSIVE, WITH RECURRENT INFECTIONS; HIES autosomal recessive; Hyper-IgE recurrent infection syndrome, autosomal recessive; DOCK8 Deficiency. Identifiers: Orphanet 217390, MedGen C4722305, MONDO:0009478, OMIM 243700.

Submission:

Labcorp Genetics (formerly Invitae), Labcorp
Classification: Uncertain significance for Combined immunodeficiency due to DOCK8 deficiency. Last evaluated: 2024-09-10. Review status: criteria provided, single submitter. Criteria: Invitae Variant Classification Sherloc (09022015). Collection method: clinical testing. Allele origin: germline.
Comment: This sequence change replaces phenylalanine, which is neutral and non-polar, with serine, which is neutral and polar, at codon 986 of the DOCK8 protein (p.Phe986Ser). This variant is not present in population databases (gnomAD no frequency). This variant has not been reported in the literature in individuals affected with DOCK8-related conditions. Invitae Evidence Modeling of protein sequence and biophysical properties (such as structural, functional, and spatial information, amino acid conservation, physicochemical variation, residue mobility, and thermodynamic stability) indicates that this missense variant is expected to disrupt DOCK8 protein function with a positive predictive value of 80%. In summary, the available evidence is currently insufficient to determine the role of this variant in disease. Therefore, it has been classified as a Variant of Uncertain Significance.